The following is an entry in ClinVar:

NM_007254.4(PNKP):c.291T>C (p.Asn97=)

Gene: PNKP (polynucleotide kinase 3'-phosphatase; minus strand). Cytogenetic location: 19q13.33.
Variant type: single nucleotide variant.
Coding change: c.291T>C on transcript NM_007254.4 (MANE Select); coding-DNA position 291, T replaced by C.
Protein change: p.Asn97=; no amino-acid change (asparagine 97 retained).
Molecular consequence: synonymous variant.
Genome position (GRCh38, 1-based): chr19:49,865,334, A>G on the plus strand (T>C on the coding strand, the complement: PNKP is on the minus strand). VCF-style: chr19-49865334-A-G. GRCh37 (hg19) VCF-style: chr19-50368591-A-G.
Identifiers: ClinVar variation 514874 (VCV000514874.6), dbSNP rs1555811608, ClinGen allele CA508297024.

ClinVar aggregate classification (germline): Likely benign. Review status: criteria provided, multiple submitters, no conflicts (2 of 4 stars). 2 submissions from 2 submitters: Likely benign (2). Last evaluated 2022-09-13.

Conditions:
Developmental and epileptic encephalopathy, 12 (DEE12). Identifiers: MedGen C3150988, MONDO:0013389, OMIM 613722.

Allele frequency attached by ClinVar (database versions not stated): gnomAD exomes below 0.00001.

Submissions (2):

Labcorp Genetics (formerly Invitae), Labcorp
Classification: Likely benign for Developmental and epileptic encephalopathy, 12. Last evaluated: 2022-09-13. Review status: criteria provided, single submitter. Criteria: Invitae Variant Classification Sherloc (09022015). Collection method: clinical testing. Allele origin: germline.

GeneDx
Classification: Likely benign. Last evaluated: 2018-01-23. Review status: criteria provided, single submitter. Criteria: GeneDx Variant Classification (06012015). Collection method: clinical testing. Allele origin: germline. Affected: yes.
Comment: This variant is considered likely benign or benign based on one or more of the following criteria: it is a conservative change, it occurs at a poorly conserved position in the protein, it is predicted to be benign by multiple in silico algorithms, and/or has population frequency not consistent with disease.